The following is an entry in ClinVar:

ClinVar aggregate classification (germline): Uncertain significance (1 of 4 stars; one submission).

Allele frequency attached by ClinVar (database versions not stated): gnomAD exomes below 0.00001.
gnomAD v4.1: 1 of 1,613,802 alleles (0.000062%); highest among the groups gnomAD compares: Non-Finnish European, 0.000085%; no homozygotes.

Submission:

GeneDx
Classification: Uncertain significance. Last evaluated: 2022-01-10. Review status: criteria provided, single submitter. Criteria: GeneDx Variant Classification Process June 2021. Collection method: clinical testing. Allele origin: germline. Affected: yes.
Comment: Not observed at significant frequency in large population cohorts (gnomAD); In silico analysis supports that this variant does not alter splicing; Has not been previously published as pathogenic or benign to our knowledge

NM_001128840.3(CACNA1D):c.3957T>G (p.Arg1319=)

Gene: CACNA1D (calcium voltage-gated channel subunit alpha1 D; plus strand). Cytogenetic location: 3p21.1.
Variant type: single nucleotide variant.
Coding change: c.3957T>G on transcript NM_001128840.3 (MANE Select); coding-DNA position 3957, T replaced by G.
Protein change: p.Arg1319=; no amino-acid change (arginine 1319 retained).
Molecular consequence: synonymous variant.
Genome position (GRCh38, 1-based): chr3:53,770,465, T>G. VCF-style: chr3-53770465-T-G. GRCh37 (hg19) VCF-style: chr3-53804492-T-G.
Other names: c.4017T>G, p.Arg1339= (NM_000720.4); c.3912T>G, p.Arg1304= (NM_001128839.3).
Identifiers: ClinVar variation 1695663 (VCV001695663.2), dbSNP rs2109003259, ClinGen allele CA433801916.
Genomic context (GRCh38, chr3:53,770,465, plus strand): 5'-CTCCATGATAACCCTTCAGAACTCTGAAGAGAGCAATAGAATCTCCATCACCTTTTTCCG[T>G]CTTTTCCGAGTGATGCGATTGGTGAAGCTTCTCAGCAGGGGGGAAGGCATCCGGACATTG-3'
Protein context (NP_001122312.1, residues 1309-1329): ESNRISITFF[Arg1319=]LFRVMRLVKL